The following is an entry in ClinVar:

ClinVar aggregate classification (germline): Uncertain significance. Review status: criteria provided, single submitter (1 of 4 stars). 4 submissions from 4 submitters: Uncertain significance (1). 3 of the submissions do not count toward it. Last evaluated 2019-04-12.

Conditions:
Cardiovascular phenotype. Identifiers: MedGen CN230736.

Allele frequency attached by ClinVar (database versions not stated): TOPMed below 0.00001; gnomAD exomes 0.00001; ExAC 0.00002.
gnomAD v4.1: 18 of 1,613,416 alleles (0.0011%); highest among the groups gnomAD compares: African/African-American, 0.0027%; no homozygotes.

Submissions (4):

Ambry Genetics
Classification: Uncertain significance for Cardiovascular phenotype. Last evaluated: 2019-04-12. Review status: criteria provided, single submitter. Criteria: Ambry Variant Classification Scheme 2023. Collection method: clinical testing. Allele origin: germline.
Comment: The p.P17409A variant (also known as c.52225C>G), located in coding exon 153 of the TTN gene, results from a C to G substitution at nucleotide position 52225. The proline at codon 17409 is replaced by alanine, an amino acid with highly similar properties. This amino acid position is not well conserved in available vertebrate species. In addition, this alteration is predicted to be tolerated by in silico analysis. Since supporting evidence is limited at this time, the clinical significance of this alteration remains unclear.

Clinical Genetics DNA and cytogenetics Diagnostics Lab, Erasmus MC, Erasmus Medical Center
Classification: Uncertain significance. Review status: no assertion criteria provided. Collection method: clinical testing. Allele origin: germline. Affected: yes. Study: VKGL Data-share Consensus. Not counted in ClinVar's aggregate classification.

Clinical Genetics, Academic Medical Center
Classification: Uncertain significance. Review status: no assertion criteria provided. Collection method: clinical testing. Allele origin: germline. Affected: yes. Study: VKGL Data-share Consensus. Not counted in ClinVar's aggregate classification.

Joint Genome Diagnostic Labs from Nijmegen and Maastricht, Radboudumc and MUMC+
Classification: Uncertain significance. Review status: no assertion criteria provided. Collection method: clinical testing. Allele origin: germline. Affected: yes. Study: VKGL Data-share Consensus. Not counted in ClinVar's aggregate classification.

NM_001267550.2(TTN):c.79420C>G (p.Pro26474Ala)

Genes: TTN (titin; minus strand), TTN-AS1 (TTN antisense RNA 1; plus strand). Cytogenetic location: 2q31.2.
Variant type: single nucleotide variant.
Coding change: c.79420C>G on transcript NM_001267550.2 (MANE Select); coding-DNA position 79420, C replaced by G.
Protein change: p.Pro26474Ala; replaces proline 26474 with alanine.
Molecular consequence: missense variant.
Genome position (GRCh38, 1-based): chr2:178,566,712, G>C on the plus strand (C>G on the coding strand, the complement: TTN is on the minus strand). VCF-style: chr2-178566712-G-C. GRCh37 (hg19) VCF-style: chr2-179431439-G-C.
Other names: c.74497C>G, p.Pro24833Ala (NM_001256850.1); c.52225C>G, p.Pro17409Ala (NM_003319.4); c.71716C>G, p.Pro23906Ala (NM_133378.4); c.52600C>G, p.Pro17534Ala (NM_133432.3); c.52801C>G, p.Pro17601Ala (NM_133437.4); short protein forms P17409A, P17534A, P17601A, P23906A, P24833A, P26474A.
Identifiers: ClinVar variation 1284282 (VCV001284282.7), dbSNP rs761511285, ClinGen allele CA1989476.